The following is an entry in ClinVar:

NM_152419.3(HGSNAT):c.1886AGA[1] (p.Lys630del)

Gene: HGSNAT (heparan-alpha-glucosaminide N-acetyltransferase; plus strand). Cytogenetic location: 8p11.21.
Variant type: Microsatellite.
Coding change: c.1886AGA[1] on transcript NM_152419.3 (MANE Select); one copy of the 3-base unit AGA starting at c.1886; the reference has two copies in a row; one copy, 3 bases deleted.
Protein change: p.Lys630del; deletes lysine 630.
Molecular consequence: inframe deletion.
Genome position (GRCh38, 1-based): chr8:43,199,550-43,199,552, AGA deleted; deleting any 3 consecutive bases within chr8:43,199,546-43,199,552 gives the same sequence; the position shown is the placement nearest the transcript's 3' end. VCF-style (leftmost placement, unchanged base first): chr8-43199545-AAAG-A. GRCh37 (hg19) VCF-style: chr8-43054688-AAAG-A.
Other names: c.1973AGA[1], p.Lys659del (NM_001363227.2); c.1694AGA[1], p.Lys566del (NM_001363228.2); c.1022AGA[1], p.Lys342del (NM_001363229.2); short protein forms K342del, K630del, K566del, K659del.
Identifiers: ClinVar variation 1478318 (VCV001478318.8), dbSNP rs778163262, ClinGen allele CA4737043.

ClinVar aggregate classification (germline): Uncertain significance (1 of 4 stars; one submission).

Conditions:
Mucopolysaccharidosis, MPS-III-C (MPS3C). Also called: SANFILIPPO SYNDROME C; MPS III C; MPS IIIC (Sanfilippo Syndrome Type C); MUCOPOLYSACCHARIDOSIS, TYPE IIIC; Mucopolysaccharidosis type IIIC (Sanfilippo C); mucopolysaccharidosis type 3C. Identifiers: Orphanet 581, Orphanet 79271, MedGen C0086649, MONDO:0009657, OMIM 252930.
Retinitis pigmentosa 73 (RP73). Identifiers: Orphanet 791, MedGen C4225287, MONDO:0014687, OMIM 616544.

Submission:

Labcorp Genetics (formerly Invitae), Labcorp
Classification: Uncertain significance for Retinitis pigmentosa 73; Mucopolysaccharidosis, MPS-III-C. Last evaluated: 2025-03-17. Review status: criteria provided, single submitter. Criteria: Invitae Variant Classification Sherloc (09022015). Collection method: clinical testing. Allele origin: germline.
Comment: This variant, c.1889_1891del, results in the deletion of 1 amino acid(s) of the HGSNAT protein (p.Lys630del), but otherwise preserves the integrity of the reading frame. This variant is present in population databases (rs778163262, gnomAD 0.001%). This variant has been observed in individual(s) with retinitis pigmentosa (internal data). In at least one individual the data is consistent with being in trans (on the opposite chromosome) from a pathogenic variant. Experimental studies and prediction algorithms are not available or were not evaluated, and the functional significance of this variant is currently unknown. In summary, the available evidence is currently insufficient to determine the role of this variant in disease. Therefore, it has been classified as a Variant of Uncertain Significance.